The following is an entry in ClinVar:

ClinVar aggregate classification (germline): Likely benign (1 of 4 stars; one submission).

gnomAD v4.1: 2 of 1,610,652 alleles (0.00012%); highest among the groups gnomAD compares: Non-Finnish European, 0.00017%; no homozygotes.

Submission:

Women's Health and Genetics/Laboratory Corporation of America, LabCorp
Classification: Likely benign. Last evaluated: 2026-04-28. Review status: criteria provided, single submitter. Criteria: LabCorp Variant Classification Summary - May 2015. Collection method: clinical testing. Allele origin: germline.
Comment: Variant summary: RYR1 c.5010C>G alters a conserved nucleotide resulting in a synonymous change. Consensus agreement among computation tools predict no significant impact on normal splicing. However, these predictions have yet to be confirmed by functional studies. The variant allele was found at a frequency of 4.1e-06 in 246048 control chromosomes. The available data on variant occurrences in the general population are insufficient to allow any conclusion about variant significance. To our knowledge, no occurrence of c.5010C>G in individuals affected with RYR1-related conditions and no experimental evidence demonstrating its impact on protein function have been reported. No submitters have cited clinical-significance assessments for this variant to ClinVar. Based on the evidence outlined above, the variant was classified as likely benign.

NM_000540.3(RYR1):c.5010C>G (p.Arg1670=)

Gene: RYR1 (ryanodine receptor 1; plus strand). Cytogenetic location: 19q13.2.
Variant type: single nucleotide variant.
Coding change: c.5010C>G on transcript NM_000540.3 (MANE Select); coding-DNA position 5010, C replaced by G.
Protein change: p.Arg1670=; no amino-acid change (arginine 1670 retained).
Molecular consequence: synonymous variant.
Genome position (GRCh38, 1-based): chr19:38,485,665, C>G. VCF-style: chr19-38485665-C-G. GRCh37 (hg19) VCF-style: chr19-38976305-C-G.
Other names: c.5010C>G, p.Arg1670= (NM_001042723.2).
Identifiers: ClinVar variation 4848769 (VCV004848769.1).